The following is an entry in ClinVar:

ClinVar aggregate classification (germline): Likely pathogenic (1 of 4 stars; one submission).

Conditions:
Leber congenital amaurosis (LCA). Also called: Leber's amaurosis. Identifiers: Orphanet 65, MedGen C0339527, MeSH D057130, MONDO:0018998.

Submission:

Natera, Inc.
Classification: Likely pathogenic for Leber congenital amaurosis. Last evaluated: 2025-03-14. Review status: criteria provided, single submitter. Criteria: Natera Variant Classification Schema (03/2026). Collection method: clinical testing. Allele origin: germline.
Comment: The c.5352_5353dup variant in CEP290 is a frameshift variant predicted to shift the reading frame beginning at codon 1785 and leads to a stop codon 4 codons downstream. This variant is expected to result in nonsense mediated decay, truncation, or a dysfunctional protein product. This variant is rare in the general population with a frequency below the threshold expected for the associated phenotype(s). Given the available evidence, this variant is classified as Likely Pathogenic.

NM_025114.4(CEP290):c.5352_5353dup (p.Arg1785fs)

Gene: CEP290 (centrosomal protein 290; minus strand). Cytogenetic location: 12q21.32.
Variant type: Duplication.
Coding change: c.5352_5353dup on transcript NM_025114.4 (MANE Select); coding-DNA positions 5352 to 5353, 2 bases duplicated (TA; older notation c.5352_5353dupTA).
Protein change: p.Arg1785fs; shifts the reading frame from arginine 1785.
Molecular consequence: frameshift variant.
Genome position (GRCh38, 1-based): chr12:88,079,103-88,079,104, TA duplicated on the plus strand (TA on the coding strand, the reverse complement: CEP290 is on the minus strand). VCF-style (leftmost placement, unchanged base first): chr12-88079102-C-CTA. GRCh37 (hg19) VCF-style: chr12-88472879-C-CTA.
Other names: short protein forms R1785fs.
Identifiers: ClinVar variation 4816222 (VCV004816222.1).